The following is an entry in ClinVar:

NM_001943.5(DSG2):c.2299C>G (p.Leu767Val)

Genes: DSG2 (desmoglein 2; plus strand), DSG2-AS1 (DSG2 antisense RNA 1; minus strand). Cytogenetic location: 18q12.1.
Variant type: single nucleotide variant.
Coding change: c.2299C>G on transcript NM_001943.5 (MANE Select); coding-DNA position 2299, C replaced by G.
Protein change: p.Leu767Val; replaces leucine 767 with valine.
Molecular consequence: missense variant.
Genome position (GRCh38, 1-based): chr18:31,542,817, C>G. VCF-style: chr18-31542817-C-G. GRCh37 (hg19) VCF-style: chr18-29122780-C-G.
Other names: short protein forms L767V.
Identifiers: ClinVar variation 4756445 (VCV004756445.1).

ClinVar aggregate classification (germline): Uncertain significance (1 of 4 stars; one submission).

Conditions:
Cardiomyopathy (CMYO). Also called: Cardiomyopathies. Identifiers: Orphanet 167848, MedGen C0878544, MONDO:0004994, HP:0001638. Inheritance: Various modes of inheritance.

gnomAD v4.1: 1 of 1,561,400 alleles (0.000064%); highest among the groups gnomAD compares: Non-Finnish European, 0.000086%; no homozygotes.

Submission:

Color Diagnostics, LLC DBA Color Health
Classification: Uncertain significance for Cardiomyopathy. Last evaluated: 2025-09-11. Review status: criteria provided, single submitter. Criteria: ACMG Guidelines, 2015. Collection method: clinical testing. Allele origin: germline.
Comment: This missense variant replaces leucine with valine at codon 767 of the DSG2 protein. Computational prediction suggests that this variant may not impact protein structure and function. To our knowledge, functional studies have not been reported for this variant. This variant has not been reported in individuals affected with DSG2-related disorders in the literature. This variant has not been identified in the general population by the Genome Aggregation Database (gnomAD). The available evidence is insufficient to determine the role of this variant in disease conclusively. Therefore, this variant is classified as a Variant of Uncertain Significance.